The following is an entry in ClinVar:

NM_000369.5(TSHR):c.1723G>A (p.Glu575Lys)

Genes: TSHR (thyroid stimulating hormone receptor; plus strand), TSHR-AS1 (TSHR antisense RNA 1; minus strand). Cytogenetic location: 14q31.1.
Variant type: single nucleotide variant.
Coding change: c.1723G>A on transcript NM_000369.5 (MANE Select); coding-DNA position 1723, G replaced by A.
Protein change: p.Glu575Lys; replaces glutamic acid 575 with lysine.
Molecular consequence: missense variant.
Genome position (GRCh38, 1-based): chr14:81,143,781, G>A. VCF-style: chr14-81143781-G-A. GRCh37 (hg19) VCF-style: chr14-81610125-G-A.
Other names: short protein forms E575K.
Identifiers: ClinVar variation 3629509 (VCV003629509.2).

ClinVar aggregate classification (germline): Uncertain significance (1 of 4 stars; one submission).

gnomAD v4.1: 11 of 1,613,890 alleles (0.00068%); highest among the groups gnomAD compares: African/African-American, 0.0027%; no homozygotes.

Submission:

Women's Health and Genetics/Laboratory Corporation of America, LabCorp
Classification: Uncertain significance. Last evaluated: 2024-11-27. Review status: criteria provided, single submitter. Criteria: LabCorp Variant Classification Summary - May 2015. Collection method: clinical testing. Allele origin: germline.
Comment: Variant summary: TSHR c.1723G>A (p.Glu575Lys) results in a conservative amino acid change in the encoded protein sequence. Three of five in-silico tools predict a benign effect of the variant on protein function. The variant allele was found at a frequency of 4e-06 in 251360 control chromosomes. These data indicate that the variant may be associated with Familial Hyperthyroidism due to mutations in the TSH receptor. Experimental evidence evaluating an impact on protein function found that the variant resulted in approximately 2.4-fold greater specific constituative activity versus the wildtype protein (Nishihara_2010). The following publication has been ascertained in the context of this evaluation (PMID: 20929407). No submitters have cited clinical-significance assessments for this variant to ClinVar. Based on the evidence outlined above, the variant was classified as VUS-possibly pathogenic.

Literature cited by the submitters: PubMed 20929407.